The following is an entry in ClinVar:

NM_025137.4(SPG11):c.6010T>G (p.Leu2004Val)

Gene: SPG11 (SPG11 vesicle trafficking associated, spatacsin; minus strand). Cytogenetic location: 15q21.1.
Variant type: single nucleotide variant.
Coding change: c.6010T>G on transcript NM_025137.4 (MANE Select); coding-DNA position 6010, T replaced by G.
Protein change: p.Leu2004Val; replaces leucine 2004 with valine.
Molecular consequence: missense variant. On other transcripts: intron variant (1).
Genome position (GRCh38, 1-based): chr15:44,573,742, A>C on the plus strand (T>G on the coding strand, the complement: SPG11 is on the minus strand). VCF-style: chr15-44573742-A-C. GRCh37 (hg19) VCF-style: chr15-44865940-A-C.
Other names: p.Leu2004Val; c.5867-922T>G (NM_001160227.2); short protein forms L2004V.
Identifiers: ClinVar variation 373681 (VCV000373681.55), dbSNP rs200220848, ClinGen allele CA7534277.

ClinVar aggregate classification (germline): Conflicting classifications of pathogenicity. Review status: criteria provided, conflicting classifications (1 of 4 stars). 9 submissions from 9 submitters: Uncertain significance (8); Likely benign (1). Last evaluated 2026-05-20.

Conditions:
SPG11-related disorder. Also called: SPG11-related condition.
Inborn genetic diseases. Identifiers: MedGen C0950123, MeSH D030342.
Hereditary spastic paraplegia 11. Also called: Spastic Paraplegia 11; Spastic paraplegia, mental retardation and thin corpus callosum; Nakamura Osame syndrome; Autosomal recessive hereditary spastic paraplegia, mental impairment, and thin corpus callosum; SPASTIC PARAPLEGIA, AUTOSOMAL RECESSIVE, COMPLICATED, WITH THIN CORPUS CALLOSUM; SPASTIC PARAPLEGIA, AUTOSOMAL RECESSIVE, WITH MENTAL IMPAIRMENT AND THIN CORPUS CALLOSUM. Identifiers: Orphanet 2822, MedGen C1858479, MONDO:0011445, OMIM 604360.

Allele frequency attached by ClinVar (database versions not stated): gnomAD 0.00022; ESP Exome Variant Server 0.00031; TOPMed 0.00037; gnomAD exomes 0.00047; ExAC 0.00056.
gnomAD v4.1: 435 of 1,613,978 alleles (0.027%); highest among the groups gnomAD compares: Admixed American, 0.17%; no homozygotes.

Submissions (9):

PreventionGenetics, part of Exact Sciences
Classification: Uncertain significance for SPG11-related condition. Last evaluated: 2026-05-20. Review status: criteria provided, single submitter. Criteria: ACMG Guidelines, 2015. Collection method: clinical testing. Allele origin: germline.
Comment: The SPG11 c.6010T>G variant is predicted to result in the amino acid substitution p.Leu2004Val. This variant was reported in an individual with amyotrophic lateral sclerosis (eTable S1 in Grassano et al. 2022. PubMed ID: 35896380). However, it was identified in a control group of individuals with no personal or family history of neurological disease (Table S5, Couthouis et al. 2014. PubMed ID: 25299611). This variant is reported in 0.21% of alleles in individuals of Latino descent in gnomAD and has conflicting interpretations ranging from uncertain to likely benign in ClinVar. Although we suspect that this variant may be benign, the clinical significance of this variant is classified as uncertain at this time due to insufficient functional and genetic evidence.

Labcorp Genetics (formerly Invitae), Labcorp
Classification: Likely benign for Hereditary spastic paraplegia 11. Last evaluated: 2026-01-31. Review status: criteria provided, single submitter. Criteria: Invitae Variant Classification Sherloc (09022015). Collection method: clinical testing. Allele origin: germline.

Ambry Genetics
Classification: Uncertain significance for Inborn genetic diseases. Last evaluated: 2025-11-19. Review status: criteria provided, single submitter. Criteria: Ambry Variant Classification Scheme 2023. Collection method: clinical testing. Allele origin: germline.

CeGaT Center for Human Genetics Tuebingen
Classification: Uncertain significance. Last evaluated: 2025-10-01. Review status: criteria provided, single submitter. Criteria: CeGaT Center For Human Genetics Tuebingen Variant Classification Criteria Version 2. Collection method: clinical testing. Allele origin: germline. Affected: yes. Observed: 4 variant alleles.
Comment: SPG11: PM2

Women's Health and Genetics/Laboratory Corporation of America, LabCorp
Classification: Uncertain significance. Last evaluated: 2023-11-14. Review status: criteria provided, single submitter. Criteria: LabCorp Variant Classification Summary - May 2015. Collection method: clinical testing. Allele origin: germline.
Comment: Variant summary: SPG11 c.6010T>G (p.Leu2004Val) results in a conservative amino acid change in the encoded protein sequence. Four of five in-silico tools predict a benign effect of the variant on protein function. The variant allele was found at a frequency of 0.00047 in 251048 control chromosomes. This frequency is not significantly higher than estimated for a pathogenic variant in SPG11 causing Hereditary Spastic Paraplegia, Type 11 (0.00047 vs 0.0011), allowing no conclusion about variant significance. c.6010T>G has been reported in the literature in at least one individual affected with Amyotrophic Lateral Sclerosis (ALS) with unspecified genotype (e.g. Grassano_2022) and in at least one unaffected control individual in an ALS study (e.g. Couthouis_2014). These report(s) do not provide unequivocal conclusions about association of the variant with Hereditary Spastic Paraplegia, Type 11. To our knowledge, no experimental evidence demonstrating an impact on protein function has been reported. The following publications have been ascertained in the context of this evaluation (PMID: 35896380, 32987860, 25299611). Six submitters have cited clinical-significance assessments for this variant to ClinVar after 2014, classifying the variant as uncertain significance (n=5) or likely benign (n=1). Based on the evidence outlined above, the variant was classified as uncertain significance.

Mayo Clinic Laboratories, Mayo Clinic
Classification: Uncertain significance. Last evaluated: 2023-06-19. Review status: criteria provided, single submitter. Criteria: ACMG Guidelines, 2015. Collection method: clinical testing. Allele origin: germline. Observed: 1 variant allele.
Comment: BS1

Illumina Laboratory Services, Illumina
Classification: Uncertain significance for Hereditary spastic paraplegia 11. Last evaluated: 2018-01-13. Review status: criteria provided, single submitter. Criteria: ICSL Variant Classification Criteria 13 December 2019. Collection method: clinical testing. Allele origin: germline.

Athena Diagnostics
Classification: Uncertain significance. Last evaluated: 2017-09-22. Review status: criteria provided, single submitter. Criteria: Athena Diagnostics Criteria. Collection method: clinical testing. Allele origin: germline.

GeneDx
Classification: Uncertain significance. Last evaluated: 2016-12-13. Review status: criteria provided, single submitter. Criteria: GeneDx Variant Classification (06012015). Collection method: clinical testing. Allele origin: germline. Affected: yes.
Comment: The L2004V variant in the SPG11 gene has not been reported previously as a pathogenic variant, nor as a benign variant, to our knowledge. The L2004V variant was not observed with any significant frequency in approximately 6500 individuals of European and African American ancestry in the NHLBI Exome Sequencing Project, indicating it is not a common benign variant in these populations. The L2004V variant is a conservative amino acid substitution, which is not likely to impact secondary protein structure as these residues share similar properties. This substitution occurs at a position that is conserved across species. In silico analysis is inconsistent in its predictions as to whether or not the variant is damaging to the protein structure/function. As an alternate mechanism, in silico splice prediction models indicate that the c.6010 T>G substitution (aka L2004V) could potentially create a new cryptic splice donor site in exon 32 which may supplant the natural donor site and lead to abnormal splicing. However, in the absence of RNA/functional studies, the actual effect of c.6010 T>G in this individual is unknown. We interpret L2004V as a variant of uncertain significance.

Literature cited by the submitters: PubMed 35896380 (cited by Women's Health and Genetics/Laboratory Corporation of America, LabCorp); PubMed 25299611 (cited by Women's Health and Genetics/Laboratory Corporation of America, LabCorp); PubMed 32987860 (cited by Women's Health and Genetics/Laboratory Corporation of America, LabCorp).